The following is an entry in ClinVar:

NM_025114.4(CEP290):c.2031T>C (p.Pro677=)

Gene: CEP290 (centrosomal protein 290; minus strand). Cytogenetic location: 12q21.32.
Variant type: single nucleotide variant.
Coding change: c.2031T>C on transcript NM_025114.4 (MANE Select); coding-DNA position 2031, T replaced by C.
Protein change: p.Pro677=; no amino-acid change (proline 677 retained).
Molecular consequence: synonymous variant.
Genome position (GRCh38, 1-based): chr12:88,114,441, A>G on the plus strand (T>C on the coding strand, the complement: CEP290 is on the minus strand). VCF-style: chr12-88114441-A-G. GRCh37 (hg19) VCF-style: chr12-88508218-A-G.
Identifiers: ClinVar variation 3351393 (VCV003351393.1).

ClinVar aggregate classification (germline): Likely benign (0 of 4 stars; one submission).

Conditions:
CEP290-related disorder. Also called: CEP290-related condition; CEP290-related disorders. Identifiers: MedGen CN239314.

Submission:

PreventionGenetics, part of Exact Sciences
Classification: Likely benign for CEP290-related condition. Last evaluated: 2023-01-27. Review status: no assertion criteria provided. Collection method: clinical testing. Allele origin: germline.
Comment: This variant is classified as likely benign based on ACMG/AMP sequence variant interpretation guidelines (Richards et al. 2015 PMID: 25741868, with internal and published modifications).